The following is an entry in ClinVar:

NM_006846.4(SPINK5):c.1942A>G (p.Arg648Gly)

Gene: SPINK5 (serine peptidase inhibitor Kazal type 5; plus strand). Cytogenetic location: 5q32.
Variant type: single nucleotide variant.
Coding change: c.1942A>G on transcript NM_006846.4 (MANE Select); coding-DNA position 1942, A replaced by G.
Protein change: p.Arg648Gly; replaces arginine 648 with glycine.
Molecular consequence: missense variant.
Genome position (GRCh38, 1-based): chr5:148,114,416, A>G. VCF-style: chr5-148114416-A-G. GRCh37 (hg19) VCF-style: chr5-147493979-A-G.
Other names: c.1942A>G, p.Arg648Gly (NM_001127698.2, NM_001127699.2); c.1942A>G (NM_006846.3); short protein forms R648G.
Identifiers: ClinVar variation 1425638 (VCV001425638.9), dbSNP rs1754030938, ClinGen allele CA361642292.

ClinVar aggregate classification (germline): Uncertain significance. Review status: criteria provided, multiple submitters, no conflicts (2 of 4 stars). 2 submissions from 2 submitters: Uncertain significance (2). Last evaluated 2025-06-24.

Conditions:
Ichthyosis linearis circumflexa. Identifiers: MedGen C0265962, MONDO:0043106, HP:0025810.
Inborn genetic diseases. Identifiers: MedGen C0950123, MeSH D030342.

Allele frequency attached by ClinVar (database versions not stated): TOPMed below 0.00001; gnomAD exomes 0.00001.
gnomAD v4.1: 11 of 1,613,780 alleles (0.00068%); highest among the groups gnomAD compares: Non-Finnish European, 0.00085%; no homozygotes.

Submissions (2):

Ambry Genetics
Classification: Uncertain significance for Inborn genetic diseases. Last evaluated: 2025-06-24. Review status: criteria provided, single submitter. Criteria: Ambry Variant Classification Scheme 2023. Collection method: clinical testing. Allele origin: germline.

Labcorp Genetics (formerly Invitae), Labcorp
Classification: Uncertain significance for Ichthyosis linearis circumflexa. Last evaluated: 2024-11-04. Review status: criteria provided, single submitter. Criteria: Invitae Variant Classification Sherloc (09022015). Collection method: clinical testing. Allele origin: germline.
Comment: This sequence change replaces arginine, which is basic and polar, with glycine, which is neutral and non-polar, at codon 648 of the SPINK5 protein (p.Arg648Gly). This variant is not present in population databases (gnomAD no frequency). This variant has not been reported in the literature in individuals affected with SPINK5-related conditions. ClinVar contains an entry for this variant (Variation ID: 1425638). Invitae Evidence Modeling of protein sequence and biophysical properties (such as structural, functional, and spatial information, amino acid conservation, physicochemical variation, residue mobility, and thermodynamic stability) has been performed for this missense variant. However, the output from this modeling did not meet the statistical confidence thresholds required to predict the impact of this variant on SPINK5 protein function. In summary, the available evidence is currently insufficient to determine the role of this variant in disease. Therefore, it has been classified as a Variant of Uncertain Significance.